The following is an entry in ClinVar:

ClinVar aggregate classification (germline): Uncertain significance (1 of 4 stars; one submission).

Conditions:
Charcot-Marie-Tooth disease dominant intermediate C (CMTDIC). Also called: CHARCOT-MARIE-TOOTH NEUROPATHY, DOMINANT INTERMEDIATE C. Identifiers: Orphanet 100045, MedGen C1842237, MONDO:0012012, OMIM 608323.

Allele frequency attached by ClinVar (database versions not stated): ExAC 0.00001.
gnomAD v4.1: 4 of 1,614,186 alleles (0.00025%); highest among the groups gnomAD compares: Non-Finnish European, 0.00034%; no homozygotes.

Submission:

Labcorp Genetics (formerly Invitae), Labcorp
Classification: Uncertain significance for Charcot-Marie-Tooth disease dominant intermediate C. Last evaluated: 2024-02-07. Review status: criteria provided, single submitter. Criteria: Invitae Variant Classification Sherloc (09022015). Collection method: clinical testing. Allele origin: germline.
Comment: This sequence change replaces serine, which is neutral and polar, with asparagine, which is neutral and polar, at codon 6 of the YARS protein (p.Ser6Asn). This variant is not present in population databases (gnomAD no frequency). This variant has not been reported in the literature in individuals affected with YARS-related conditions. ClinVar contains an entry for this variant (Variation ID: 1008426). Advanced modeling of protein sequence and biophysical properties (such as structural, functional, and spatial information, amino acid conservation, physicochemical variation, residue mobility, and thermodynamic stability) performed at Invitae indicates that this missense variant is not expected to disrupt YARS protein function with a negative predictive value of 80%. In summary, the available evidence is currently insufficient to determine the role of this variant in disease. Therefore, it has been classified as a Variant of Uncertain Significance.

NM_003680.4(YARS1):c.17G>A (p.Ser6Asn)

Genes: S100PBP (S100P binding protein; plus strand), YARS1 (tyrosyl-tRNA synthetase 1; minus strand). Cytogenetic location: 1p35.1.
Variant type: single nucleotide variant.
Coding change: c.17G>A on transcript NM_003680.4 (MANE Select); coding-DNA position 17, G replaced by A.
Protein change: p.Ser6Asn; replaces serine 6 with asparagine.
Molecular consequence: missense variant.
Genome position (GRCh38, 1-based): chr1:32,817,228, C>T on the plus strand (G>A on the coding strand, the complement: YARS1 is on the minus strand). VCF-style: chr1-32817228-C-T. GRCh37 (hg19) VCF-style: chr1-33282829-C-T.
Other names: short protein forms S6N.
Identifiers: ClinVar variation 1008426 (VCV001008426.7), dbSNP rs751101041, ClinGen allele CA745323.